The following is an entry in ClinVar:

ClinVar aggregate classification (germline): Uncertain significance. Review status: criteria provided, multiple submitters, no conflicts (2 of 4 stars). 2 submissions from 2 submitters: Uncertain significance (2). Last evaluated 2024-12-12.

Conditions:
Sotos syndrome (SOTOS). Also called: Distinctive facial appearance, overgrowth in childhood, and learning disabilities or delayed development; SOTOS SYNDROME 1; CHROMOSOME 5q35 DELETION SYNDROME; CEREBRAL GIGANTISM; Sotos' syndrome. Identifiers: Orphanet 821, MedGen C0175695, MONDO:0019349, OMIM 117550.

gnomAD v4.1: 1 of 1,614,208 alleles (0.000062%); no homozygotes.

Submissions (2):

Women's Health and Genetics/Laboratory Corporation of America, LabCorp
Classification: Uncertain significance. Last evaluated: 2024-12-12. Review status: criteria provided, single submitter. Criteria: LabCorp Variant Classification Summary - May 2015. Collection method: clinical testing. Allele origin: germline.
Comment: Variant summary: NSD1 c.2398A>G (p.Met800Val) results in a conservative amino acid change in the encoded protein sequence. Five of five in-silico tools predict a benign effect of the variant on protein function. The variant was absent in 251296 control chromosomes. The available data on variant occurrences in the general population are insufficient to allow any conclusion about variant significance. To our knowledge, no occurrence of c.2398A>G in individuals affected with Sotos Syndrome and no experimental evidence demonstrating its impact on protein function have been reported. No submitters have cited clinical-significance assessments for this variant to ClinVar. Based on the evidence outlined above, the variant was classified as uncertain significance.

Fulgent Genetics
Classification: Uncertain significance for Sotos syndrome. Last evaluated: 2024-04-23. Review status: criteria provided, single submitter. Criteria: ACMG Guidelines, 2015. Collection method: clinical testing. Allele origin: germline.

NM_022455.5(NSD1):c.2398A>G (p.Met800Val)

Gene: NSD1 (nuclear receptor binding SET domain protein 1; plus strand). Cytogenetic location: 5q35.3.
Variant type: single nucleotide variant.
Coding change: c.2398A>G on transcript NM_022455.5 (MANE Select); coding-DNA position 2398, A replaced by G.
Protein change: p.Met800Val; replaces methionine 800 with valine.
Molecular consequence: missense variant.
Genome position (GRCh38, 1-based): chr5:177,210,797, A>G. VCF-style: chr5-177210797-A-G. GRCh37 (hg19) VCF-style: chr5-176637798-A-G.
Other names: c.1525A>G, p.Met509Val (NM_001365684.2, NM_001409306.1, NM_001409307.1 and 3 more transcripts); c.2398A>G, p.Met800Val (NM_001409301.1, NM_001409302.1, NM_001409303.1); c.1978A>G, p.Met660Val (NM_001409304.1); c.1645A>G, p.Met549Val (NM_001409305.1); short protein forms M509V, M800V, M549V, M660V.
Identifiers: ClinVar variation 3592004 (VCV003592004.2).